The following is an entry in ClinVar:

ClinVar aggregate classification (germline): Uncertain significance (1 of 4 stars; one submission).

Conditions:
Hereditary cancer-predisposing syndrome. Also called: Neoplastic Syndromes, Hereditary; Tumor predisposition; Hereditary Cancer Syndrome; Hereditary neoplastic syndrome. Identifiers: Orphanet 140162, MedGen C0027672, MeSH D009386, MONDO:0015356.

Submission:

Ambry Genetics
Classification: Uncertain significance for Hereditary cancer-predisposing syndrome. Last evaluated: 2021-11-10. Review status: criteria provided, single submitter. Criteria: Ambry Variant Classification Scheme 2023. Collection method: clinical testing. Allele origin: germline.
Comment: The p.M2212T variant (also known as c.6635T>C), located in coding exon 47 of the POLE gene, results from a T to C substitution at nucleotide position 6635. The methionine at codon 2212 is replaced by threonine, an amino acid with similar properties. This amino acid position is conserved. In addition, the in silico prediction for this alteration is inconclusive. Since supporting evidence is limited at this time, the clinical significance of this alteration remains unclear.

NM_006231.4(POLE):c.6635T>C (p.Met2212Thr)

Gene: POLE (DNA polymerase epsilon, catalytic subunit; minus strand). Cytogenetic location: 12q24.33.
Variant type: single nucleotide variant.
Coding change: c.6635T>C on transcript NM_006231.4 (MANE Select); coding-DNA position 6635, T replaced by C.
Protein change: p.Met2212Thr; replaces methionine 2212 with threonine.
Molecular consequence: missense variant.
Genome position (GRCh38, 1-based): chr12:132,625,667, A>G on the plus strand (T>C on the coding strand, the complement: POLE is on the minus strand). VCF-style: chr12-132625667-A-G. GRCh37 (hg19) VCF-style: chr12-133202253-A-G.
Other names: short protein forms M2212T.
Identifiers: ClinVar variation 1754588 (VCV001754588.2), dbSNP rs2541836988, ClinGen allele CA387366482.